The following is an entry in ClinVar:

ClinVar aggregate classification (germline): Uncertain significance (1 of 4 stars; one submission).

Submission:

Labcorp Genetics (formerly Invitae), Labcorp
Classification: Uncertain significance. Last evaluated: 2023-12-11. Review status: criteria provided, single submitter. Criteria: Invitae Variant Classification Sherloc (09022015). Collection method: clinical testing. Allele origin: germline.
Comment: This variant is a gross deletion of the genomic region encompassing exon(s) 1-3 of the DNASE2 gene, which includes the initiator codon. This deletion extends beyond the assayed region for this gene and therefore may encompass additional genes. It is expected to result in an absent or disrupted protein product. However, the current clinical and genetic evidence is not sufficient to establish whether loss-of-function variants in DNASE2 cause disease. This variant has not been reported in the literature in individuals affected with DNASE2-related conditions. In summary, the available evidence is currently insufficient to determine the role of this variant in disease. Therefore, it has been classified as a Variant of Uncertain Significance.

NC_000019.9:g.(?_12991596)_(12992189_?)del

Gene: DNASE2 (deoxyribonuclease 2, lysosomal; minus strand). Cytogenetic location: 19p13.2.
Variant type: Deletion.
Identifiers: ClinVar variation 1470136 (VCV001470136.4).